The following is an entry in ClinVar:

ClinVar aggregate classification (germline): Likely benign. Review status: criteria provided, multiple submitters, no conflicts (2 of 4 stars). 6 submissions from 6 submitters: Likely benign (5). 1 of the submissions does not count toward it. Last evaluated 2026-07-01.

Conditions:
Cardiovascular phenotype. Identifiers: MedGen CN230736.
Alagille syndrome due to a JAG1 point mutation. Also called: HEPATIC DUCTULAR HYPOPLASIA, SYNDROMATIC; JAG1-Related Alagille Syndrome; Alagille Syndrome 1. Identifiers: Orphanet 261619, Orphanet 52, MedGen C1956125, MONDO:0016862, OMIM 118450.
JAG1-related disorder. Also called: JAG1-related disorders; JAG1-related condition.
Isolated Nonsyndromic Congenital Heart Disease.

Allele frequency attached by ClinVar (database versions not stated): gnomAD 0.00001; TOPMed 0.00002; ExAC 0.00003; gnomAD exomes 0.00004.
gnomAD v4.1: 35 of 1,613,720 alleles (0.0022%); highest among the groups gnomAD compares: Middle Eastern, 0.016%; no homozygotes.

Submissions (6):

CeGaT Center for Human Genetics Tuebingen
Classification: Likely benign. Last evaluated: 2026-07-01. Review status: criteria provided, single submitter. Criteria: CeGaT Center For Human Genetics Tuebingen Variant Classification Criteria Version 2. Collection method: clinical testing. Allele origin: germline. Affected: yes. Observed: 1 variant allele.
Comment: JAG1: BP4, BP7

Labcorp Genetics (formerly Invitae), Labcorp
Classification: Likely benign for Alagille syndrome due to a JAG1 point mutation. Last evaluated: 2025-11-09. Review status: criteria provided, single submitter. Criteria: Invitae Variant Classification Sherloc (09022015). Collection method: clinical testing. Allele origin: germline.

Ambry Genetics
Classification: Likely benign for Cardiovascular phenotype. Last evaluated: 2024-11-14. Review status: criteria provided, single submitter. Criteria: Ambry Variant Classification Scheme 2023. Collection method: clinical testing. Allele origin: germline.

Blueprint Genetics
Classification: Likely benign. Last evaluated: 2022-02-14. Review status: criteria provided, single submitter. Criteria: ACMG Guidelines, 2015. Collection method: clinical testing. Allele origin: germline.

Illumina Laboratory Services, Illumina
Classification: Likely benign for Isolated Nonsyndromic Congenital Heart Disease. Last evaluated: 2018-01-13. Review status: criteria provided, single submitter. Criteria: ICSL Variant Classification Criteria 13 December 2019. Collection method: clinical testing. Allele origin: germline.
Comment: This variant was observed in the ICSL laboratory as part of a predisposition screen in an ostensibly healthy population. It had not been previously curated by ICSL or reported in the Human Gene Mutation Database (HGMD: prior to June 1st, 2018), and was therefore a candidate for classification through an automated scoring system. Utilizing variant allele frequency, disease prevalence and penetrance estimates, and inheritance mode, an automated score was calculated to assess if this variant is too frequent to cause the disease. Based on the score and internal cut-off values, a variant classified as likely benign is not then subjected to further curation. The score for this variant resulted in a classification of likely benign for this disease.

PreventionGenetics, part of Exact Sciences
Classification: Likely benign for JAG1-related condition. Last evaluated: 2022-09-02. Review status: no assertion criteria provided. Collection method: clinical testing. Allele origin: germline. Not counted in ClinVar's aggregate classification.
Comment: This variant is classified as likely benign based on ACMG/AMP sequence variant interpretation guidelines (Richards et al. 2015 PMID: 25741868, with internal and published modifications).

NM_000214.3(JAG1):c.2445C>T (p.Pro815=)

Gene: JAG1 (jagged canonical Notch ligand 1; minus strand). Cytogenetic location: 20p12.2.
Variant type: single nucleotide variant.
Coding change: c.2445C>T on transcript NM_000214.3 (MANE Select); coding-DNA position 2445, C replaced by T.
Protein change: p.Pro815=; no amino-acid change (proline 815 retained).
Molecular consequence: synonymous variant.
Genome position (GRCh38, 1-based): chr20:10,643,791, G>A on the plus strand (C>T on the coding strand, the complement: JAG1 is on the minus strand). VCF-style: chr20-10643791-G-A. GRCh37 (hg19) VCF-style: chr20-10624439-G-A.
Other names: c.2445C>T, p.Pro815= (LRG_1191t1).
Identifiers: ClinVar variation 536534 (VCV000536534.20), dbSNP rs777122869, ClinGen allele CA9764503.